The following is an entry in ClinVar:

NM_014384.3(ACAD8):c.1084T>C (p.Cys362Arg)

Gene: ACAD8 (acyl-CoA dehydrogenase family member 8; plus strand). Cytogenetic location: 11q25.
Variant type: single nucleotide variant.
Coding change: c.1084T>C on transcript NM_014384.3 (MANE Select); coding-DNA position 1084, T replaced by C.
Protein change: p.Cys362Arg; replaces cysteine 362 with arginine.
Molecular consequence: missense variant.
Genome position (GRCh38, 1-based): chr11:134,261,882, T>C. VCF-style: chr11-134261882-T-C. GRCh37 (hg19) VCF-style: chr11-134131776-T-C.
Other names: short protein forms C362R.
Identifiers: ClinVar variation 965913 (VCV000965913.10), dbSNP rs995149464, ClinGen allele CA231279065.

ClinVar aggregate classification (germline): Uncertain significance (1 of 4 stars; one submission).

Conditions:
Deficiency of isobutyryl-CoA dehydrogenase. Also called: IBD DEFICIENCY; ACYL-CoA DEHYDROGENASE FAMILY, MEMBER 8, DEFICIENCY OF; ACAD8 DEFICIENCY. Identifiers: Orphanet 79159, MedGen C1969809, MONDO:0012648, OMIM 611283.

Allele frequency attached by ClinVar (database versions not stated): gnomAD exomes below 0.00001; TOPMed 0.00001.
gnomAD v4.1: 1 of 1,614,042 alleles (0.000062%); highest among the groups gnomAD compares: East Asian, 0.0022%; no homozygotes.

Submission:

Labcorp Genetics (formerly Invitae), Labcorp
Classification: Uncertain significance for Deficiency of isobutyryl-CoA dehydrogenase. Last evaluated: 2019-11-11. Review status: criteria provided, single submitter. Criteria: Invitae Variant Classification Sherloc (09022015). Collection method: clinical testing. Allele origin: germline.
Comment: In summary, the available evidence is currently insufficient to determine the role of this variant in disease. Therefore, it has been classified as a Variant of Uncertain Significance. Algorithms developed to predict the effect of missense changes on protein structure and function (SIFT, PolyPhen-2, Align-GVGD) all suggest that this variant is likely to be disruptive, but these predictions have not been confirmed by published functional studies and their clinical significance is uncertain. This variant has not been reported in the literature in individuals with ACAD8-related conditions. This variant is not present in population databases (ExAC no frequency). This sequence change replaces cysteine with arginine at codon 362 of the ACAD8 protein (p.Cys362Arg). The cysteine residue is highly conserved and there is a large physicochemical difference between cysteine and arginine.